The following is an entry in ClinVar:

ClinVar aggregate classification (germline): Uncertain significance. Review status: reviewed by expert panel (3 of 4 stars). 5 submissions from 5 submitters: Uncertain significance (1). 4 of the submissions do not count toward it. Last evaluated 2025-01-07.

Conditions:
Hereditary cancer-predisposing syndrome. Also called: Hereditary neoplastic syndrome; Tumor predisposition; Neoplastic Syndromes, Hereditary; Hereditary Cancer Syndrome. Identifiers: Orphanet 140162, MedGen C0027672, MeSH D009386, MONDO:0015356.
DICER1-related tumor predisposition. Also called: DICER1 syndrome; DICER1-related pleuropulmonary blastoma cancer predisposition syndrome. Identifiers: Orphanet 284343, MedGen C3839822, MONDO:0100216.
Ovarian cancer. Also called: OVARIAN CANCER, SOMATIC. Identifiers: Orphanet 213500, MedGen C1140680, MONDO:0008170, OMIM 167000.

Allele frequency attached by ClinVar (database versions not stated): gnomAD 0.00001; gnomAD exomes 0.00001 and 0.00002.
gnomAD v4.1: 25 of 1,613,406 alleles (0.0015%); highest among the groups gnomAD compares: East Asian, 0.013%; no homozygotes.

Submissions (5):

ClinGen DICER1 and miRNA-Processing Gene Variant Curation Expert Panel, ClinGen
Classification: Uncertain significance for DICER1-related tumor predisposition. Last evaluated: 2025-01-07. Review status: reviewed by expert panel. Criteria: ClinGen DICER1 ACMG Specifications DICER1 V1.3.0. Collection method: curation. Allele origin: germline. Inheritance: Autosomal dominant inheritance.
Comment: The NM_177438.3:c.4357A>G variant in DICER1 is a missense variant predicted to cause substitution of isoleucine by valine at amino acid 1453 (p.Ile1453Val). Although this variant has been observed in germline cases, to our knowledge, this variant has not been reported in individuals with DICER1-related tumor predisposition (PS4 not met; Internal lab contributors). The total allele frequency in gnomAD v4.1.0 is 0.00001550 (25/1613406 alleles) with a highest population minor allele frequency of 0.0001337 (6/44888 alleles) in the East Asian population (PM2_Supporting, BS1, and BA1 are not met). In silico tools predict no damaging impact of the variant on protein function (REVEL: 0.316; MaxEntScan and SpliceAI: no effect on splicing) (BP4). In summary, this variant meets the criteria to be classified as a variant of uncertain significance for DICER1-related tumor predisposition based on the ACMG/AMP criteria applied, as specified by the ClinGen DICER1 VCEP: BP4. (Bayesian Points: -1; VCEP specifications version 1.3.0; 01/07/2025).

Labcorp Genetics (formerly Invitae), Labcorp
Classification: Uncertain significance for DICER1-related tumor predisposition. Last evaluated: 2026-01-20. Review status: criteria provided, single submitter. Criteria: Invitae Variant Classification Sherloc (09022015). Collection method: clinical testing. Allele origin: germline. Not counted in ClinVar's aggregate classification.
Comment: This sequence change replaces isoleucine, which is neutral and non-polar, with valine, which is neutral and non-polar, at codon 1453 of the DICER1 protein (p.Ile1453Val). This variant is present in population databases (no rsID available, gnomAD 0.006%). This variant has not been reported in the literature in individuals affected with DICER1-related conditions. ClinVar contains an entry for this variant (Variation ID: 854954). Invitae Evidence Modeling of protein sequence and biophysical properties (such as structural, functional, and spatial information, amino acid conservation, physicochemical variation, residue mobility, and thermodynamic stability) indicates that this missense variant is not expected to disrupt DICER1 protein function with a negative predictive value of 95%. In summary, the available evidence is currently insufficient to determine the role of this variant in disease. Therefore, it has been classified as a Variant of Uncertain Significance.

Ambry Genetics
Classification: Uncertain significance for Hereditary cancer-predisposing syndrome. Last evaluated: 2025-10-31. Review status: criteria provided, single submitter. Criteria: Ambry Variant Classification Scheme 2023. Collection method: clinical testing. Allele origin: germline. Not counted in ClinVar's aggregate classification.
Comment: The p.I1453V variant (also known as c.4357A>G), located in coding exon 22 of the DICER1 gene, results from an A to G substitution at nucleotide position 4357. The isoleucine at codon 1453 is replaced by valine, an amino acid with highly similar properties. This amino acid position is highly conserved in available vertebrate species. In addition, the in silico prediction for this alteration is inconclusive. Since supporting evidence is limited at this time, the clinical significance of this alteration remains unclear.

Center for Genomic Medicine, Rigshospitalet, Copenhagen University Hospital
Classification: Uncertain significance. Last evaluated: 2025-03-04. Review status: criteria provided, single submitter. Criteria: ACMG Guidelines, 2015. Collection method: clinical testing. Allele origin: germline. Not counted in ClinVar's aggregate classification.

Laboratory of Molecular Epidemiology of Birth Defects, West China Second University Hospital, Sichuan University
Classification: Likely pathogenic for Ovarian cancer. Last evaluated: 2022-01-01. Review status: criteria provided, single submitter. Criteria: ACMG Guidelines, 2015. Collection method: clinical testing. Allele origin: germline. Affected: yes. Not counted in ClinVar's aggregate classification.

NM_177438.3(DICER1):c.4357A>G (p.Ile1453Val)

Gene: DICER1 (dicer 1, ribonuclease III; minus strand). Cytogenetic location: 14q32.13.
Variant type: single nucleotide variant.
Coding change: c.4357A>G on transcript NM_177438.3 (MANE Select); coding-DNA position 4357, A replaced by G.
Protein change: p.Ile1453Val; replaces isoleucine 1453 with valine.
Molecular consequence: missense variant.
Genome position (GRCh38, 1-based): chr14:95,096,563, T>C on the plus strand (A>G on the coding strand, the complement: DICER1 is on the minus strand). VCF-style: chr14-95096563-T-C. GRCh37 (hg19) VCF-style: chr14-95562900-T-C.
Other names: NM_177438.3(DICER1):c.4357A>G; p.Ile1453Val; c.4357A>G, p.Ile1453Val (NM_001195573.1, NM_001271282.3, NM_001291628.2 and 1 more transcripts); short protein forms I1453V.
Identifiers: ClinVar variation 854954 (VCV000854954.15), dbSNP rs1040361162, ClinGen allele CA265898357.